The following is an entry in ClinVar:

NM_013436.5(NCKAP1):c.1169A>G (p.Asp390Gly)

Gene: NCKAP1 (NCK associated protein 1; minus strand). Cytogenetic location: 2q32.1.
Variant type: single nucleotide variant.
Coding change: c.1169A>G on transcript NM_013436.5 (MANE Select); coding-DNA position 1169, A replaced by G.
Protein change: p.Asp390Gly; replaces aspartic acid 390 with glycine.
Molecular consequence: missense variant.
Genome position (GRCh38, 1-based): chr2:182,982,860, T>C on the plus strand (A>G on the coding strand, the complement: NCKAP1 is on the minus strand). VCF-style: chr2-182982860-T-C. GRCh37 (hg19) VCF-style: chr2-183847588-T-C.
Other names: c.1187A>G, p.Asp396Gly (NM_205842.3); short protein forms D390G, D396G.
Identifiers: ClinVar variation 3383865 (VCV003383865.1).

ClinVar aggregate classification (germline): Uncertain significance (1 of 4 stars; one submission).

Submission:

GeneDx
Classification: Uncertain significance. Last evaluated: 2024-06-02. Review status: criteria provided, single submitter. Criteria: GeneDx Variant Classification Process June 2021. Collection method: clinical testing. Allele origin: germline. Affected: yes.
Comment: Has not been previously published as pathogenic or benign to our knowledge; Not observed at significant frequency in large population cohorts (gnomAD); In silico analysis supports that this missense variant has a deleterious effect on protein structure/function; In silico analysis suggests this variant may impact gene splicing. In the absence of RNA/functional studies, the actual effect of this sequence change is unknown.